The following is an entry in ClinVar:

ClinVar aggregate classification (germline): Uncertain significance. Review status: criteria provided, multiple submitters, no conflicts (2 of 4 stars). 3 submissions from 3 submitters: Uncertain significance (3). Last evaluated 2021-09-01.

Conditions:
Amyotrophic lateral sclerosis type 11 (ALS11). Identifiers: Orphanet 803, MedGen C2675491, MONDO:0012945, OMIM 612577.
Charcot-Marie-Tooth disease type 4J (CMT4J). Also called: CHARCOT-MARIE-TOOTH DISEASE, DEMYELINATING, TYPE 4J; CHARCOT-MARIE-TOOTH DISEASE, AUTOSOMAL RECESSIVE, TYPE 4J; Charcot-Marie-Tooth Neuropathy Type 4J. Identifiers: Orphanet 139515, MedGen C1970011, MONDO:0012640, OMIM 611228.
Yunis-Varon syndrome (YVS). Also called: Cleidocranial dysplasia, micrognathia, absent thumbs, & distal aphalangia. Identifiers: Orphanet 3472, MedGen C1857663, MONDO:0008995, OMIM 216340.
Bilateral parasagittal parieto-occipital polymicrogyria. Also called: Polymicrogyria, bilateral temporooccipital. Identifiers: Orphanet 208441, MedGen C4013648, MONDO:0012986, OMIM 612691.
Inborn genetic diseases. Identifiers: MedGen C0950123, MeSH D030342.
Charcot-Marie-Tooth disease type 4. Also called: Charcot-Marie-Tooth disease, type IV; Charcot-Marie-Tooth, Type 4. Identifiers: Orphanet 64749, MedGen C4082197, MONDO:0018995.

Allele frequency attached by ClinVar (database versions not stated): gnomAD exomes 0.00001 and 0.00005; gnomAD 0.00002; TOPMed 0.00003; ExAC 0.00005.
gnomAD v4.1: 13 of 1,613,174 alleles (0.00081%); highest among the groups gnomAD compares: East Asian, 0.029%; no homozygotes.

Submissions (3):

Labcorp Genetics (formerly Invitae), Labcorp
Classification: Uncertain significance for Charcot-Marie-Tooth disease type 4. Last evaluated: 2021-09-01. Review status: criteria provided, single submitter. Criteria: Invitae Variant Classification Sherloc (09022015). Collection method: clinical testing. Allele origin: germline.
Comment: This sequence change replaces threonine with isoleucine at codon 270 of the FIG4 protein (p.Thr270Ile). The threonine residue is highly conserved and there is a moderate physicochemical difference between threonine and isoleucine. This variant is present in population databases (rs762123072, ExAC 0.07%). This variant has not been reported in the literature in individuals affected with FIG4-related conditions. Algorithms developed to predict the effect of missense changes on protein structure and function are either unavailable or do not agree on the potential impact of this missense change (SIFT: "Deleterious"; PolyPhen-2: "Possibly Damaging"; Align-GVGD: "Class C0"). In summary, the available evidence is currently insufficient to determine the role of this variant in disease. Therefore, it has been classified as a Variant of Uncertain Significance.

Ambry Genetics
Classification: Uncertain significance for Inborn genetic diseases. Last evaluated: 2020-09-02. Review status: criteria provided, single submitter. Criteria: Ambry Variant Classification Scheme 2023. Collection method: clinical testing. Allele origin: germline.
Comment: The p.T270I variant (also known as c.809C>T), located in coding exon 8 of the FIG4 gene, results from a C to T substitution at nucleotide position 809. The threonine at codon 270 is replaced by isoleucine, an amino acid with similar properties. This amino acid position is well conserved in available vertebrate species. In addition, this alteration is predicted to be deleterious by in silico analysis. Since supporting evidence is limited at this time, the clinical significance of this alteration remains unclear.

Juno Genomics, Hangzhou Juno Genomics, Inc
Classification: Uncertain significance for Yunis-Varon syndrome; Bilateral parasagittal parieto-occipital polymicrogyria; Amyotrophic lateral sclerosis type 11; Charcot-Marie-Tooth disease type 4J. Review status: criteria provided, single submitter. Criteria: ACMG Guidelines, 2015. Collection method: clinical testing. Allele origin: germline.
Comment: Absent from controls (or at extremely low frequency if recessive) in Genome Aggregation Database.

NM_014845.6(FIG4):c.809C>T (p.Thr270Ile)

Gene: FIG4 (FIG4 phosphoinositide 5-phosphatase; plus strand). Cytogenetic location: 6q21.
Variant type: single nucleotide variant.
Coding change: c.809C>T on transcript NM_014845.6 (MANE Select); coding-DNA position 809, C replaced by T.
Protein change: p.Thr270Ile; replaces threonine 270 with isoleucine.
Molecular consequence: missense variant.
Genome position (GRCh38, 1-based): chr6:109,741,477, C>T. VCF-style: chr6-109741477-C-T. GRCh37 (hg19) VCF-style: chr6-110062680-C-T.
Other names: short protein forms T270I.
Identifiers: ClinVar variation 849415 (VCV000849415.10), dbSNP rs762123072, ClinGen allele CA3955916.